The following is an entry in ClinVar:

ClinVar aggregate classification (germline): Uncertain significance (1 of 4 stars; one submission).

gnomAD v4.1: 1 of 1,613,024 alleles (0.000062%); highest among the groups gnomAD compares: South Asian, 0.0011%; no homozygotes.

Submission:

GeneDx
Classification: Uncertain significance. Last evaluated: 2024-05-29. Review status: criteria provided, single submitter. Criteria: GeneDx Variant Classification Process June 2021. Collection method: clinical testing. Allele origin: germline. Affected: yes.
Comment: Not observed at significant frequency in large population cohorts (gnomAD); In silico analysis supports that this missense variant has a deleterious effect on protein structure/function; Has not been previously published as pathogenic or benign to our knowledge

NM_001170629.2(CHD8):c.3230G>A (p.Gly1077Asp)

Gene: CHD8 (chromodomain helicase DNA binding protein 8; minus strand). Cytogenetic location: 14q11.2.
Variant type: single nucleotide variant.
Coding change: c.3230G>A on transcript NM_001170629.2 (MANE Select); coding-DNA position 3230, G replaced by A.
Protein change: p.Gly1077Asp; replaces glycine 1077 with aspartic acid.
Molecular consequence: missense variant.
Genome position (GRCh38, 1-based): chr14:21,405,286, C>T on the plus strand (G>A on the coding strand, the complement: CHD8 is on the minus strand). VCF-style: chr14-21405286-C-T. GRCh37 (hg19) VCF-style: chr14-21873445-C-T.
Other names: c.2393G>A, p.Gly798Asp (NM_020920.4); short protein forms G1077D, G798D.
Identifiers: ClinVar variation 3383649 (VCV003383649.1).